The following is an entry in ClinVar:

ClinVar aggregate classification (germline): Likely pathogenic. Review status: criteria provided, multiple submitters, no conflicts (2 of 4 stars). 4 submissions from 4 submitters: Likely pathogenic (3). 1 of the submissions does not count toward it. Last evaluated 2025-11-03.

Conditions:
Retinal dystrophy. Also called: Inherited retinal dystrophy. Identifiers: Orphanet 71862, MedGen C0854723, MeSH D058499, MONDO:0019118, HP:0000556.

Submissions (4):

Labcorp Genetics (formerly Invitae), Labcorp
Classification: Likely pathogenic. Last evaluated: 2025-11-03. Review status: criteria provided, single submitter. Criteria: Invitae Variant Classification Sherloc (09022015). Collection method: clinical testing. Allele origin: germline.
Comment: This sequence change replaces glycine, which is neutral and non-polar, with glutamic acid, which is acidic and polar, at codon 618 of the ABCA4 protein (p.Gly618Glu). This variant is not present in population databases (gnomAD no frequency). This missense change has been observed in individual(s) with ABCA4-related conditions (PMID: 15494742, 20029649, 29925512, 35120629). ClinVar contains an entry for this variant (Variation ID: 99092). Invitae Evidence Modeling of protein sequence and biophysical properties (such as structural, functional, and spatial information, amino acid conservation, physicochemical variation, residue mobility, and thermodynamic stability) indicates that this missense variant is expected to disrupt ABCA4 protein function with a positive predictive value of 95%. This variant disrupts the p.Gly618 amino acid residue in ABCA4. Other variant(s) that disrupt this residue have been determined to be pathogenic (PMID: 22661472; internal data). This suggests that this residue is clinically significant, and that variants that disrupt this residue are likely to be disease-causing. In summary, the currently available evidence indicates that the variant is pathogenic, but additional data are needed to prove that conclusively. Therefore, this variant has been classified as Likely Pathogenic.

Institute of Human Genetics, Univ. Regensburg, Univ. Regensburg
Classification: Likely pathogenic for Retinal dystrophy. Last evaluated: 2021-01-01. Review status: criteria provided, single submitter. Criteria: ACMG Guidelines, 2015. Collection method: clinical testing. Allele origin: germline. Affected: yes.

GeneDx
Classification: Likely pathogenic. Last evaluated: 2015-11-12. Review status: criteria provided, single submitter. Criteria: GeneDx Variant Classification (06012015). Collection method: clinical testing. Allele origin: germline. Affected: yes.
Comment: The G618E missense variant in the ABCA4 gene has been reported previously in association with Cone-rod dystrophy (Klevering et al., 2004), The G618E variant was not observed in approximately 6,500 individuals of European and African American ancestry in the NHLBI Exome Sequencing Project, indicating it is not a common benign variant in these populations. This substitution occurs at a position that is conserved across species, and in silico analysis predicts this variant is probably damaging to the protein structure/function. Missense variants in the same (G618R/W) and nearby residues (E616K, Q623R) have been reported in the Human Gene Mutation Database in association with ABCA4-related disorders (Stenson et al., 2014), supporting the functional importance of this region of the protein. Therefore, this variant is likely pathogenic; however, the possibility that it is benign cannot be excluded.

Retina International
No classification provided. Review status: no classification provided. Collection method: not provided. Allele origin: not provided. Not counted in ClinVar's aggregate classification.

Literature cited by the submitters: PubMed 15494742 (cited by Labcorp Genetics (formerly Invitae), Labcorp and Institute of Human Genetics, Univ. Regensburg, Univ. Regensburg); PubMed 20029649 (cited by Labcorp Genetics (formerly Invitae), Labcorp); PubMed 29925512 (cited by Labcorp Genetics (formerly Invitae), Labcorp); PubMed 35120629 (cited by Labcorp Genetics (formerly Invitae), Labcorp); PubMed 22661472 (cited by Labcorp Genetics (formerly Invitae), Labcorp); PubMed 2992551 (cited by Institute of Human Genetics, Univ. Regensburg, Univ. Regensburg).

NM_000350.3(ABCA4):c.1853G>A (p.Gly618Glu)

Gene: ABCA4 (ATP binding cassette subfamily A member 4; minus strand). Cytogenetic location: 1p22.1.
Variant type: single nucleotide variant.
Coding change: c.1853G>A on transcript NM_000350.3 (MANE Select); coding-DNA position 1853, G replaced by A.
Protein change: p.Gly618Glu; replaces glycine 618 with glutamic acid.
Molecular consequence: missense variant.
Genome position (GRCh38, 1-based): chr1:94,062,661, C>T on the plus strand (G>A on the coding strand, the complement: ABCA4 is on the minus strand). VCF-style: chr1-94062661-C-T. GRCh37 (hg19) VCF-style: chr1-94528217-C-T.
Other names: c.1853G>A, p.Gly618Glu (NM_001425324.1); short protein forms G618E.
Identifiers: ClinVar variation 99092 (VCV000099092.4), dbSNP rs61751394, ClinGen allele CA226943.